The following is an entry in ClinVar:

ClinVar aggregate classification (germline): Conflicting classifications of pathogenicity. Review status: criteria provided, conflicting classifications (1 of 4 stars). 3 submissions from 3 submitters: Uncertain significance (1); Likely benign (2). Last evaluated 2024-11-09.

Conditions:
Early-infantile DEE. Also called: Early infantile epileptic encephalopathy; Ohtahara syndrome; Early infantile epileptic encephalopathy with suppression bursts. Identifiers: Orphanet 1934, MedGen C0393706, MONDO:0800491.
Inborn genetic diseases. Identifiers: MedGen C0950123, MeSH D030342.

Allele frequency attached by ClinVar (database versions not stated): gnomAD exomes below 0.00001; gnomAD 0.00001; TOPMed 0.00001.
gnomAD v4.1: 2 of 1,453,180 alleles (0.00014%); highest among the groups gnomAD compares: African/African-American, 0.0029%; no homozygotes.

Submissions (3):

Labcorp Genetics (formerly Invitae), Labcorp
Classification: Likely benign for Early-infantile DEE. Last evaluated: 2024-11-09. Review status: criteria provided, single submitter. Criteria: Invitae Variant Classification Sherloc (09022015). Collection method: clinical testing. Allele origin: germline.

Ambry Genetics
Classification: Uncertain significance for Inborn genetic diseases. Last evaluated: 2018-04-24. Review status: criteria provided, single submitter. Criteria: Ambry Variant Classification Scheme 2023. Collection method: clinical testing. Allele origin: germline.
Comment: The c.2545-4T>G intronic variant results from a T to G substitution 4 nucleotides upstream from coding exon 15 in the SCN8A gene. This nucleotide position is poorly conserved in available vertebrate species. Using the BDGP and ESEfinder splice site prediction tools, this alteration is not predicted to have any significant effect on this splice acceptor site; however, direct evidence is unavailable. Since supporting evidence is limited at this time, the clinical significance of this alteration remains unclear.

GeneDx
Classification: Likely benign. Last evaluated: 2017-06-01. Review status: criteria provided, single submitter. Criteria: GeneDx Variant Classification (06012015). Collection method: clinical testing. Allele origin: germline. Affected: yes.
Comment: This variant is considered likely benign or benign based on one or more of the following criteria: it is a conservative change, it occurs at a poorly conserved position in the protein, it is predicted to be benign by multiple in silico algorithms, and/or has population frequency not consistent with disease.

NM_001330260.2(SCN8A):c.2545-4T>G

Gene: SCN8A (sodium voltage-gated channel alpha subunit 8; plus strand). Cytogenetic location: 12q13.13.
Variant type: single nucleotide variant.
Coding change: c.2545-4T>G on transcript NM_001330260.2 (MANE Select); 4 bases into the intron before coding-DNA position 2545, T replaced by G.
Molecular consequence: intron variant.
Genome position (GRCh38, 1-based): chr12:51,765,667, T>G. VCF-style: chr12-51765667-T-G. GRCh37 (hg19) VCF-style: chr12-52159451-T-G.
Other names: c.2545-4T>G (NM_014191.4, NM_001177984.3, NM_001369788.1).
Identifiers: ClinVar variation 517879 (VCV000517879.11), dbSNP rs1175986621, ClinGen allele CA605238518.